The following is an entry in ClinVar:

NM_032130.3(FAM186B):c.1684C>T (p.Pro562Ser)

Gene: FAM186B (family with sequence similarity 186 member B; minus strand). Cytogenetic location: 12q13.12.
Variant type: single nucleotide variant.
Coding change: c.1684C>T on transcript NM_032130.3 (MANE Select); coding-DNA position 1684, C replaced by T.
Protein change: p.Pro562Ser; replaces proline 562 with serine.
Molecular consequence: missense variant. On other transcripts: non-coding transcript variant (1).
Genome position (GRCh38, 1-based): chr12:49,599,956, G>A on the plus strand (C>T on the coding strand, the complement: FAM186B is on the minus strand). VCF-style: chr12-49599956-G-A. GRCh37 (hg19) VCF-style: chr12-49993739-G-A.
Other names: short protein forms P562S.
Identifiers: ClinVar variation 4711172 (VCV004711172.1).

ClinVar aggregate classification (germline): Uncertain significance (1 of 4 stars; one submission).

gnomAD v4.1: 40 of 1,613,808 alleles (0.0025%); highest among the groups gnomAD compares: Non-Finnish European, 0.003%; no homozygotes.

Submission:

Labcorp Genetics (formerly Invitae), Labcorp
Classification: Uncertain significance. Last evaluated: 2025-03-27. Review status: criteria provided, single submitter. Criteria: Invitae Variant Classification Sherloc (09022015). Collection method: clinical testing. Allele origin: germline.
Comment: This sequence change replaces proline, which is neutral and non-polar, with serine, which is neutral and polar, at codon 562 of the FAM186B protein (p.Pro562Ser). This variant is present in population databases (rs780578524, gnomAD 0.02%). This variant has not been reported in the literature in individuals affected with FAM186B-related conditions. An algorithm developed to predict the effect of missense changes on protein structure and function outputs the following: PolyPhen-2: "Benign". The serine amino acid residue is found in multiple mammalian species, which suggests that this missense change does not adversely affect protein function. In summary, the available evidence is currently insufficient to determine the role of this variant in disease. Therefore, it has been classified as a Variant of Uncertain Significance.